The following is an entry in ClinVar:

ClinVar aggregate classification (germline): Pathogenic (1 of 4 stars; one submission).

Conditions:
Familial X-linked hypophosphatemic vitamin D refractory rickets (XLHRD). Also called: HYPOPHOSPHATEMIC VITAMIN D-RESISTANT RICKETS; X-Linked Hypophosphatemia; Hypophosphatemia, vitamin D-resistant rickets; Vitamin D-resistant rickets, X-linked; Hypophosphatemic Rickets, X-Linked Dominant. Identifiers: Orphanet 89936, MedGen C0733682, MONDO:0010619, OMIM 307800.

Submission:

Juno Genomics, Hangzhou Juno Genomics, Inc
Classification: Pathogenic for Familial X-linked hypophosphatemic vitamin D refractory rickets. Review status: criteria provided, single submitter. Criteria: ACMG Guidelines, 2015. Collection method: clinical testing. Allele origin: germline. Affected: yes.
Comment: Absent from controls (or at extremely low frequency if recessive) in Genome Aggregation Database, Exome Sequencing Project, 1000 Genomes Project, or Exome Aggregation Consortium.;Null variant in a gene where loss of function (LOF) is a known mechanism of disease.;Patient's phenotype or family history is highly specific for a disease with a single genetic etiology.

NM_000444.6(PHEX):c.1985_1988dup (p.Asp663delinsGluTer)

Genes: PHEX (phosphate regulating endopeptidase X-linked; plus strand), PTCHD1-AS (PTCHD1 and PHEX antisense RNA; minus strand). Cytogenetic location: Xp22.11.
Variant type: Duplication.
Coding change: c.1985_1988dup on transcript NM_000444.6 (MANE Select); coding-DNA positions 1985 to 1988, 4 bases duplicated (ATGA; older notation c.1985_1988dupATGA).
Protein change: p.Asp663delinsGluTer.
Molecular consequence: nonsense. On other transcripts: non-coding transcript variant (1).
Genome position (GRCh38, 1-based): chrX:22,227,526-22,227,529, ATGA duplicated; duplicating any 4 consecutive bases within chrX:22,227,525-22,227,529 gives the same sequence; the c. name uses the placement nearest the transcript's 3' end. VCF-style (leftmost placement, unchanged base first): chrX-22227524-A-AAATG. GRCh37 (hg19) VCF-style: chrX-22245641-A-AAATG.
Other names: c.1985_1988dup, p.Asp663delinsGluTer (NM_001282754.2).
Identifiers: ClinVar variation 3381886 (VCV003381886.2).
Genomic context (GRCh38, chrX:22,227,524, plus strand): 5'-ACCCACCGTTGCAGAGACTCATCTCTTCTTCTTCTCTCACCAGGCTTACAGGAAATGGAT[A>AAATG]AATGACAGAAGGCAGGGACTTGAGGAGCCTCTTCTACCAGGCATCACATTCACCAACAAC-3'